The following is an entry in ClinVar:

ClinVar aggregate classification (germline): Pathogenic. Review status: criteria provided, multiple submitters, no conflicts (2 of 4 stars). 2 submissions from 2 submitters: Pathogenic (2). Last evaluated 2025-03-26.

Submissions (2):

GeneDx
Classification: Pathogenic. Last evaluated: 2025-03-26. Review status: criteria provided, single submitter. Criteria: GeneDx Variant Classification Process June 2021. Collection method: clinical testing. Allele origin: germline. Affected: yes.
Comment: Initiation codon variant in a gene for which loss of function is a known mechanism of disease; Not observed at significant frequency in large population cohorts (gnomAD); Has not been previously published as pathogenic or benign to our knowledge

Labcorp Genetics (formerly Invitae), Labcorp
Classification: Pathogenic. Last evaluated: 2025-01-27. Review status: criteria provided, single submitter. Criteria: Invitae Variant Classification Sherloc (09022015). Collection method: clinical testing. Allele origin: germline.
Comment: This sequence change affects the initiator methionine of the AUTS2 mRNA. The next in-frame methionine is located at codon 93. This variant is not present in population databases (gnomAD no frequency). This variant has not been reported in the literature in individuals affected with AUTS2-related conditions. ClinVar contains an entry for this variant (Variation ID: 2761164). Experimental studies and prediction algorithms are not available or were not evaluated, and the functional significance of this variant is currently unknown. This variant disrupts a region of the AUTS2 protein in which other variant(s) (p.Ala45Glu) have been determined to be pathogenic (internal data). This suggests that this is a clinically significant region of the protein, and that variants that disrupt it are likely to be disease-causing. For these reasons, this variant has been classified as Pathogenic.

NM_015570.4(AUTS2):c.1A>G (p.Met1Val)

Gene: AUTS2 (activator of transcription and developmental regulator AUTS2; plus strand). Cytogenetic location: 7q11.22.
Variant type: single nucleotide variant.
Coding change: c.1A>G on transcript NM_015570.4 (MANE Select); coding-DNA position 1, A replaced by G.
Protein change: p.Met1Val; changes the start codon (methionine 1).
Molecular consequence: missense variant, initiator codon variant.
Genome position (GRCh38, 1-based): chr7:69,599,654, A>G. VCF-style: chr7-69599654-A-G. GRCh37 (hg19) VCF-style: chr7-69064640-A-G.
Other names: c.1A>G, p.Met1Val (NM_001127231.3, NM_001127232.3); c.1A>G (NM_015570.2); short protein forms M1V.
Identifiers: ClinVar variation 2761164 (VCV002761164.4), dbSNP rs2129067294, ClinGen allele CA367702656.